The following is an entry in ClinVar:

ClinVar aggregate classification (germline): Likely pathogenic (1 of 4 stars; one submission).

Conditions:
Microphthalmia, syndromic 9. Also called: ANOPHTHALMIA, CLINICAL, WITH MILD FACIAL DYSMORPHISM AND VARIABLE MALFORMATIONS OF THE LUNG, HEART, AND DIAPHRAGM; ANOPHTHALMIA/MICROPHTHALMIA AND PULMONARY HYPOPLASIA; PULMONARY AGENESIS, MICROPHTHALMIA, AND DIAPHRAGMATIC DEFECT; SPEAR SYNDROME; Matthew-Wood syndrome. Identifiers: Orphanet 2470, MedGen C1832661, MONDO:0011010, OMIM 601186.

Submission:

Department of Fetal Medicine and Prenatal Diagnosis, Obstetrics and Gynecology Center, Southern Medical University
Classification: Likely pathogenic for Microphthalmia, syndromic 9. Review status: criteria provided, single submitter. Criteria: Uk Practice Guidelines For Variant Classification V12 2024. Collection method: clinical testing. Allele origin: maternal. Inheritance: Autosomal recessive inheritance. Affected: yes. Observed: 1 compound heterozygote.
Comment: PM2_Supporting: this variant is absent from gnomAD, 1000 Genomes Project, dbSNP, and ESP6500 databases. PVS1_Strong: this variant caused a premature stop codon within the exon 4 (last exon) of WNT7B, which is located at the region of predicted NMD escape. Functional analysis confirmed that it resulted in a truncated WNT7B protein. PS3_Supporting: Functional analysis showed that it impaired the canonical WNT-β-Catenin signaling.

Literature cited by the submitters: DOI 10.1016/j.gene.2026.150012.

NM_058238.3(WNT7B):c.668_669dup (p.Val224fs)

Gene: WNT7B (Wnt family member 7B; minus strand). Cytogenetic location: 22q13.31.
Variant type: Microsatellite.
Coding change: c.668_669dup on transcript NM_058238.3 (MANE Select); coding-DNA positions 668 to 669, 2 bases duplicated (AG; older notation c.668_669dupAG).
Protein change: p.Val224fs; shifts the reading frame from valine 224.
Molecular consequence: frameshift variant.
Genome position (GRCh38, 1-based): chr22:45,923,237-45,923,238, CT duplicated on the plus strand (AG on the coding strand, the reverse complement: WNT7B is on the minus strand); duplicating any 2 consecutive bases within chr22:45,923,237-45,923,241 gives the same sequence; the c. name uses the placement nearest the transcript's 3' end. VCF-style (leftmost placement, unchanged base first): chr22-45923236-C-CCT. GRCh37 (hg19) VCF-style: chr22-46319116-C-CCT.
Other names: c.680_681dup, p.Val228fs (NM_001410806.1); short protein forms V224fs, V228fs.
Identifiers: ClinVar variation 4686623 (VCV004686623.1).